The following is an entry in ClinVar:

NM_000112.4(SLC26A2):c.611T>G (p.Leu204Ter)

Gene: SLC26A2 (solute carrier family 26 member 2; plus strand). Cytogenetic location: 5q32.
Variant type: single nucleotide variant.
Coding change: c.611T>G on transcript NM_000112.4 (MANE Select); coding-DNA position 611, T replaced by G.
Protein change: p.Leu204Ter; replaces leucine 204 with a stop codon.
Molecular consequence: nonsense.
Genome position (GRCh38, 1-based): chr5:149,978,263, T>G. VCF-style: chr5-149978263-T-G. GRCh37 (hg19) VCF-style: chr5-149357826-T-G.
Other names: short protein forms L204*.
Identifiers: ClinVar variation 557257 (VCV000557257.4), dbSNP rs1554095156, ClinGen allele CA361705356.

ClinVar aggregate classification (germline): Likely pathogenic. Review status: criteria provided, single submitter (1 of 4 stars). 2 submissions from 2 submitters: Likely pathogenic (1). 1 of the submissions does not count toward it.

Conditions:
Multiple epiphyseal dysplasia type 4 (EDM4). Also called: Multiple Epiphyseal Dysplasia, Recessive; MULTIPLE EPIPHYSEAL DYSPLASIA WITH BILAYERED PATELLAE; MULTIPLE EPIPHYSEAL DYSPLASIA WITH CLUBFOOT; MULTIPLE EPIPHYSEAL DYSPLASIA, AUTOSOMAL RECESSIVE; SLC26A2-Related Multiple Epiphyseal Dysplasia. Identifiers: Orphanet 93307, MedGen C1847593, MONDO:0009189, OMIM 226900.
Achondrogenesis, type IB (ACG1B). Also called: Achondrogenesis Type 1B. Identifiers: Orphanet 932, Orphanet 93298, MedGen C0265274, MONDO:0010966, OMIM 600972.
Atelosteogenesis type II (AO2). Also called: Neonatal osseous dysplasia 1; SLC26A2-Related Atelosteogenesis; NEONATAL OSSEOUS DYSPLASIA I. Identifiers: Orphanet 56304, MedGen C1850554, MONDO:0009727, OMIM 256050.
Diastrophic dysplasia (DTD). Also called: Diastrophic dwarfism. Identifiers: Orphanet 628, MedGen C0220726, MONDO:0009107, OMIM 222600.

Submissions (2):

Juno Genomics, Hangzhou Juno Genomics, Inc
Classification: Likely pathogenic for Achondrogenesis, type IB; Atelosteogenesis type II; Diastrophic dysplasia; Multiple epiphyseal dysplasia type 4. Review status: criteria provided, single submitter. Criteria: ACMG Guidelines, 2015. Collection method: clinical testing. Allele origin: germline.
Comment: Null variant in a gene where loss of function (LOF) is a known mechanism of disease.;Absent from controls (or at extremely low frequency if recessive) in Genome Aggregation Database.

Counsyl
Classification: Likely pathogenic for Multiple epiphyseal dysplasia type 4. Last evaluated: 2018-03-14. Review status: no assertion criteria provided. Collection method: clinical testing. Allele origin: unknown. Not counted in ClinVar's aggregate classification.